The following is an entry in ClinVar:

NM_005051.3(QARS1):c.570+2_570+4dup

Gene: QARS1 (glutaminyl-tRNA synthetase 1; minus strand). Cytogenetic location: 3p21.31.
Variant type: Duplication.
Coding change: c.570+2_570+4dup on transcript NM_005051.3 (MANE Select); the canonical splice donor site of the intron after coding-DNA position 570 through 4 bases into the intron after coding-DNA position 570, 3 bases duplicated (TAG; older notation c.570+2_570+4dupTAG).
Molecular consequence: splice donor variant.
Genome position (GRCh38, 1-based): chr3:49,102,415-49,102,417, CTA duplicated on the plus strand (TAG on the coding strand, the reverse complement: QARS1 is on the minus strand); duplicating any 3 consecutive bases within chr3:49,102,415-49,102,418 gives the same sequence; the c. name uses the placement nearest the transcript's 3' end. VCF-style (leftmost placement, unchanged base first): chr3-49102414-C-CCTA. GRCh37 (hg19) VCF-style: chr3-49139847-C-CCTA.
Other names: c.537+2_537+4dup (NM_001272073.2).
Identifiers: ClinVar variation 1055106 (VCV001055106.5), dbSNP rs2107108872, ClinGen allele CA2499216898.

ClinVar aggregate classification (germline): Uncertain significance (1 of 4 stars; one submission).

Conditions:
Diffuse cerebral and cerebellar atrophy - intractable seizures - progressive microcephaly syndrome. Also called: Microcephaly, progressive, with seizures and cerebral and cerebellar atrophy. Identifiers: Orphanet 404437, MedGen C4014239, MONDO:0014335, OMIM 615760.

Submission:

Labcorp Genetics (formerly Invitae), Labcorp
Classification: Uncertain significance for Diffuse cerebral and cerebellar atrophy - intractable seizures - progressive microcephaly syndrome. Last evaluated: 2020-07-14. Review status: criteria provided, single submitter. Criteria: Invitae Variant Classification Sherloc (09022015). Collection method: clinical testing. Allele origin: germline.
Comment: This variant has not been reported in the literature in individuals with QARS-related conditions. In summary, the available evidence is currently insufficient to determine the role of this variant in disease. Therefore, it has been classified as a Variant of Uncertain Significance. Nucleotide substitutions within the consensus splice site are a relatively common cause of aberrant splicing (PMID: 17576681, 9536098). Algorithms developed to predict the effect of sequence changes on RNA splicing suggest that this variant may disrupt the consensus splice site, but this prediction has not been confirmed by published transcriptional studies. This variant is not present in population databases (ExAC no frequency). This sequence change falls in intron 6 of the QARS gene. It does not directly change the encoded amino acid sequence of the QARS protein, but it affects a nucleotide within the consensus splice site of the intron.

Literature cited by the submitters: PubMed 17576681; PubMed 9536098.